The following is an entry in ClinVar:

ClinVar aggregate classification (germline): Likely benign (1 of 4 stars; one submission).

Conditions:
KCNQ1-related disorder. Also called: KCNQ1-related disorders; KCNQ1-related condition. Identifiers: MedGen CN239322.

gnomAD v4.1: 2 of 398,528 alleles (0.0005%); highest among the groups gnomAD compares: African/African-American, 0.0041%; no homozygotes.

Submission:

PreventionGenetics, part of Exact Sciences
Classification: Likely benign for KCNQ1-related condition. Last evaluated: 2025-07-10. Review status: criteria provided, single submitter. Criteria: ACMG Guidelines, 2015. Collection method: clinical testing. Allele origin: germline.
Comment: This variant is classified as likely benign based on ACMG/AMP sequence variant interpretation guidelines (Richards et al. 2015 PMID: 25741868, with internal and published modifications).

NM_000218.3(KCNQ1):c.1514+6847T>A

Genes: KCNQ1 (potassium voltage-gated channel subfamily Q member 1; plus strand), KCNQ1OT1 (KCNQ1 opposite strand/antisense transcript 1; minus strand). Cytogenetic location: 11p15.5.
Variant type: single nucleotide variant.
Coding change: c.1514+6847T>A on transcript NM_000218.3 (MANE Select); 6847 bases into the intron after coding-DNA position 1514, T replaced by A.
Molecular consequence: intron variant. On other transcripts: non-coding transcript variant (1).
Genome position (GRCh38, 1-based): chr11:2,668,928, T>A. VCF-style: chr11-2668928-T-A. GRCh37 (hg19) VCF-style: chr11-2690158-T-A.
Other names: c.1244+6847T>A (NM_001406837.1); c.1418+6847T>A (NM_001406836.1); c.974+6847T>A (NM_001406838.1); c.1133+6847T>A (NM_181798.2).
Identifiers: ClinVar variation 4987330 (VCV004987330.1).